The following is an entry in ClinVar:

NM_003458.4(BSN):c.2339T>G (p.Ile780Ser)

Gene: BSN (bassoon presynaptic cytomatrix protein; plus strand). Cytogenetic location: 3p21.31.
Variant type: single nucleotide variant.
Coding change: c.2339T>G on transcript NM_003458.4 (MANE Select); coding-DNA position 2339, T replaced by G.
Protein change: p.Ile780Ser; replaces isoleucine 780 with serine.
Molecular consequence: missense variant.
Genome position (GRCh38, 1-based): chr3:49,651,895, T>G. VCF-style: chr3-49651895-T-G. GRCh37 (hg19) VCF-style: chr3-49689328-T-G.
Other names: short protein forms I780S.
Identifiers: ClinVar variation 4976058 (VCV004976058.1).

ClinVar aggregate classification (germline): Uncertain significance (1 of 4 stars; one submission).

Submission:

GeneDx
Classification: Uncertain significance. Last evaluated: 2026-02-09. Review status: criteria provided, single submitter. Criteria: GeneDx Variant Classification Process June 2021. Collection method: clinical testing. Allele origin: germline.
Comment: Not observed at significant frequency in large population cohorts (gnomAD); In silico analysis suggests that this missense variant does not alter protein structure/function; Has not been previously published as pathogenic or benign to our knowledge